The following is an entry in ClinVar:

ClinVar aggregate classification (germline): Likely benign (1 of 4 stars; one submission).

Allele frequency attached by ClinVar (database versions not stated): 1000 Genomes Project 30x 0.00016; 1000 Genomes Project 0.00020; gnomAD 0.00123; TOPMed 0.00139.
gnomAD v4.1: 186 of 152,354 alleles (0.12%); highest among the groups gnomAD compares: Middle Eastern, 0.68%; 3 homozygotes.

Submission:

CeGaT Center for Human Genetics Tuebingen
Classification: Likely benign. Last evaluated: 2026-04-01. Review status: criteria provided, single submitter. Criteria: CeGaT Center For Human Genetics Tuebingen Variant Classification Criteria Version 2. Collection method: clinical testing. Allele origin: germline. Affected: yes. Observed: 8 variant alleles.
Comment: FANCI: BP4, BP7

NM_001113378.2(FANCI):c.3652-1186T>C

Gene: FANCI (FA complementation group I; plus strand). Cytogenetic location: 15q26.1.
Variant type: single nucleotide variant.
Coding change: c.3652-1186T>C on transcript NM_001113378.2 (MANE Select); 1186 bases into the intron before coding-DNA position 3652, T replaced by C.
Molecular consequence: intron variant.
Genome position (GRCh38, 1-based): chr15:89,311,718, T>C. VCF-style: chr15-89311718-T-C. GRCh37 (hg19) VCF-style: chr15-89854949-T-C.
Other names: c.3472-1186T>C (NM_018193.3); c.3652-1186T>C (NM_001376911.1); c.3373-1186T>C (NM_001376910.1).
Identifiers: ClinVar variation 2645683 (VCV002645683.24), dbSNP rs563322732, ClinGen allele CA274531077.